The following is an entry in ClinVar:

ClinVar aggregate classification (germline): Likely benign. Review status: criteria provided, multiple submitters, no conflicts (2 of 4 stars). 2 submissions from 2 submitters: Likely benign (2). Last evaluated 2025-07-20.

Conditions:
Early-infantile DEE. Also called: Early infantile epileptic encephalopathy with suppression bursts; Early infantile epileptic encephalopathy; Ohtahara syndrome. Identifiers: Orphanet 1934, MedGen C0393706, MONDO:0800491.

Allele frequency attached by ClinVar (database versions not stated): TOPMed below 0.00001; ExAC 0.00001; gnomAD exomes 0.00001.

Submissions (2):

Labcorp Genetics (formerly Invitae), Labcorp
Classification: Likely benign for Early-infantile DEE. Last evaluated: 2025-07-20. Review status: criteria provided, single submitter. Criteria: Invitae Variant Classification Sherloc (09022015). Collection method: clinical testing. Allele origin: germline.

GeneDx
Classification: Likely benign. Last evaluated: 2017-09-19. Review status: criteria provided, single submitter. Criteria: GeneDx Variant Classification (06012015). Collection method: clinical testing. Allele origin: germline. Affected: yes.
Comment: This variant is considered likely benign or benign based on one or more of the following criteria: it is a conservative change, it occurs at a poorly conserved position in the protein, it is predicted to be benign by multiple in silico algorithms, and/or has population frequency not consistent with disease.

NM_172107.4(KCNQ2):c.1248-4C>G

Gene: KCNQ2 (potassium voltage-gated channel subfamily Q member 2; minus strand). Cytogenetic location: 20q13.33.
Variant type: single nucleotide variant.
Coding change: c.1248-4C>G on transcript NM_172107.4 (MANE Select); 4 bases into the intron before coding-DNA position 1248, C replaced by G.
Molecular consequence: intron variant.
Genome position (GRCh38, 1-based): chr20:63,419,676, G>C on the plus strand (C>G on the coding strand, the complement: KCNQ2 is on the minus strand). VCF-style: chr20-63419676-G-C. GRCh37 (hg19) VCF-style: chr20-62051029-G-C.
Other names: c.1217+4501C>G (NM_004518.6); c.1247+4501C>G (NM_172108.5, NM_172106.3).
Identifiers: ClinVar variation 512194 (VCV000512194.4), dbSNP rs772465626, ClinGen allele CA9958520.